The following is an entry in ClinVar:

ClinVar aggregate classification (germline): Uncertain significance (1 of 4 stars; one submission).

gnomAD v4.1: 11 of 1,613,728 alleles (0.00068%); highest among the groups gnomAD compares: Non-Finnish European, 0.00093%; no homozygotes.

Submission:

Labcorp Genetics (formerly Invitae), Labcorp
Classification: Uncertain significance. Last evaluated: 2022-06-15. Review status: criteria provided, single submitter. Criteria: Invitae Variant Classification Sherloc (09022015). Collection method: clinical testing. Allele origin: germline.
Comment: This sequence change replaces threonine, which is neutral and polar, with isoleucine, which is neutral and non-polar, at codon 800 of the CNGB3 protein (p.Thr800Ile). This variant is not present in population databases (gnomAD no frequency). This variant has not been reported in the literature in individuals affected with CNGB3-related conditions. Advanced modeling of protein sequence and biophysical properties (such as structural, functional, and spatial information, amino acid conservation, physicochemical variation, residue mobility, and thermodynamic stability) performed at Invitae indicates that this missense variant is not expected to disrupt CNGB3 protein function. In summary, the available evidence is currently insufficient to determine the role of this variant in disease. Therefore, it has been classified as a Variant of Uncertain Significance.

NM_019098.5(CNGB3):c.2399C>T (p.Thr800Ile)

Gene: CNGB3 (cyclic nucleotide gated channel subunit beta 3; minus strand). Cytogenetic location: 8q21.3.
Variant type: single nucleotide variant.
Coding change: c.2399C>T on transcript NM_019098.5 (MANE Select); coding-DNA position 2399, C replaced by T.
Protein change: p.Thr800Ile; replaces threonine 800 with isoleucine.
Molecular consequence: missense variant.
Genome position (GRCh38, 1-based): chr8:86,575,835, G>A on the plus strand (C>T on the coding strand, the complement: CNGB3 is on the minus strand). VCF-style: chr8-86575835-G-A. GRCh37 (hg19) VCF-style: chr8-87588063-G-A.
Other names: short protein forms T800I.
Identifiers: ClinVar variation 1910819 (VCV001910819.2), dbSNP rs2538024574, ClinGen allele CA371446021.